The following is an entry in ClinVar:

NM_000397.4(CYBB):c.45+4A>G

Genes: CYBB (cytochrome b-245 beta chain; plus strand), LOC130068093 (ATAC-STARR-seq lymphoblastoid active region 29519; plus strand). Cytogenetic location: Xp21.1.
Variant type: single nucleotide variant.
Coding change: c.45+4A>G on transcript NM_000397.4 (MANE Select); 4 bases into the intron after coding-DNA position 45, A replaced by G.
Molecular consequence: intron variant.
Genome position (GRCh38, 1-based): chrX:37,780,126, A>G. VCF-style: chrX-37780126-A-G. GRCh37 (hg19) VCF-style: chrX-37639379-A-G.
Identifiers: ClinVar variation 4737670 (VCV004737670.1).
Genomic context (GRCh38, chrX:37,780,126, plus strand): 5'-ACCTCTGCCACCATGGGGAACTGGGCTGTGAATGAGGGGCTCTCCATTTTTGTCATTGTA[A>G]GTACCAACAAGAGATAAGTTATAAATTCTCTGACTTCTCGGGGTTATCTTGGAACTAAAA-3'

ClinVar aggregate classification (germline): Uncertain significance (1 of 4 stars; one submission).

Conditions:
Granulomatous disease, chronic, X-linked. Also called: CYTOCHROME b-NEGATIVE GRANULOMATOUS DISEASE, CHRONIC, X-LINKED; GRANULOMATOUS DISEASE, CHRONIC, X-LINKED, SOMATIC MOSAIC. Identifiers: Orphanet 379, MedGen C1844376, MONDO:0010600, OMIM 306400.

Submission:

Labcorp Genetics (formerly Invitae), Labcorp
Classification: Uncertain significance for Granulomatous disease, chronic, X-linked. Last evaluated: 2025-09-10. Review status: criteria provided, single submitter. Criteria: Invitae Variant Classification Sherloc (09022015). Collection method: clinical testing. Allele origin: germline.
Comment: This sequence change falls in intron 1 of the CYBB gene. It does not directly change the encoded amino acid sequence of the CYBB protein. It affects a nucleotide within the consensus splice site. This variant is not present in population databases (gnomAD no frequency). This variant has been observed in individuals with chronic granulomatous disease (PMID: 29560547, 30290665). Variants that disrupt the consensus splice site are a relatively common cause of aberrant splicing (PMID: 17576681, 9536098). Algorithms developed to predict the effect of sequence changes on RNA splicing suggest that this variant may disrupt the consensus splice site. In summary, the available evidence is currently insufficient to determine the role of this variant in disease. Therefore, it has been classified as a Variant of Uncertain Significance.

Literature cited by the submitters: PubMed 29560547; PubMed 30290665; PubMed 17576681; PubMed 9536098.